The following is an entry in ClinVar:

NM_153033.5(KCTD7):c.514G>T (p.Glu172Ter)

Gene: KCTD7 (potassium channel tetramerization domain containing 7; plus strand). Cytogenetic location: 7q11.21.
Variant type: single nucleotide variant.
Coding change: c.514G>T on transcript NM_153033.5 (MANE Select); coding-DNA position 514, G replaced by T.
Protein change: p.Glu172Ter; replaces glutamic acid 172 with a stop codon.
Molecular consequence: nonsense.
Genome position (GRCh38, 1-based): chr7:66,638,876, G>T. VCF-style: chr7-66638876-G-T. GRCh37 (hg19) VCF-style: chr7-66103863-G-T.
Other names: c.514G>T, p.Glu172Ter (NM_001167961.2); short protein forms E172*.
Identifiers: ClinVar variation 3652794 (VCV003652794.2).
Genomic context (GRCh38, chr7:66,638,876, plus strand): 5'-CTCTTCACCCTAGTGATAGGTGTTGTGTTCATCCTTATAGACCACTTGGAGCGGATTGTG[G>T]AGATCGCCCGGCTGCGTGCGGTCCAGCGGAAGGCCCGCTTTGCCAAGCTCAAGGTCTGTG-3'

ClinVar aggregate classification (germline): Pathogenic (1 of 4 stars; one submission).

Conditions:
Progressive myoclonic epilepsy type 3. Also called: KCTD7-Related Progressive Myoclonic Epilepsy; EPILEPSY, PROGRESSIVE MYOCLONIC, 3, WITH OR WITHOUT INTRACELLULAR INCLUSIONS; CEROID LIPOFUSCINOSIS, NEURONAL, 14; EPILEPSY, PROGRESSIVE MYOCLONIC, 3, WITHOUT INTRACELLULAR INCLUSIONS. Identifiers: Orphanet 263516, MedGen C2673257, MONDO:0012721, OMIM 611726.

Submission:

Labcorp Genetics (formerly Invitae), Labcorp
Classification: Pathogenic for Progressive myoclonic epilepsy type 3. Last evaluated: 2024-05-09. Review status: criteria provided, single submitter. Criteria: Invitae Variant Classification Sherloc (09022015). Collection method: clinical testing. Allele origin: germline.
Comment: This sequence change creates a premature translational stop signal (p.Glu172*) in the KCTD7 gene. While this is not anticipated to result in nonsense mediated decay, it is expected to disrupt the last 118 amino acid(s) of the KCTD7 protein. This variant is not present in population databases (gnomAD no frequency). This variant has not been reported in the literature in individuals affected with KCTD7-related conditions. This variant disrupts a region of the KCTD7 protein in which other variant(s) (p.Tyr276Cys) have been determined to be pathogenic (PMID: 25060828, 27742667). This suggests that this is a clinically significant region of the protein, and that variants that disrupt it are likely to be disease-causing. For these reasons, this variant has been classified as Pathogenic.

Literature cited by the submitters: PubMed 25060828; PubMed 27742667.